The following is an entry in ClinVar:

NM_004727.3(SLC24A1):c.68G>T (p.Ser23Ile)

Gene: SLC24A1 (solute carrier family 24 member 1; plus strand). Cytogenetic location: 15q22.31.
Variant type: single nucleotide variant.
Coding change: c.68G>T on transcript NM_004727.3 (MANE Select); coding-DNA position 68, G replaced by T.
Protein change: p.Ser23Ile; replaces serine 23 with isoleucine.
Molecular consequence: missense variant.
Genome position (GRCh38, 1-based): chr15:65,624,148, G>T. VCF-style: chr15-65624148-G-T. GRCh37 (hg19) VCF-style: chr15-65916486-G-T.
Other names: c.68G>T, p.Ser23Ile (NM_001301031.1, NM_001301032.1, NM_001301033.2); c.68G>T (NM_004727.2); short protein forms S23I.
Identifiers: ClinVar variation 1001750 (VCV001001750.9), dbSNP rs369293983, ClinGen allele CA7619688.

ClinVar aggregate classification (germline): Uncertain significance. Review status: criteria provided, multiple submitters, no conflicts (2 of 4 stars). 3 submissions from 3 submitters: Uncertain significance (3). Last evaluated 2024-07-22.

Conditions:
Inborn genetic diseases. Identifiers: MedGen C0950123, MeSH D030342.

Allele frequency attached by ClinVar (database versions not stated): ESP Exome Variant Server 0.00008; gnomAD 0.00015 and 0.00016; TOPMed 0.00019; 1000 Genomes Project 0.00020; 1000 Genomes Project 30x 0.00031.
gnomAD v4.1: 46 of 1,613,616 alleles (0.0029%); highest among the groups gnomAD compares: African/African-American, 0.056%; no homozygotes.

Submissions (3):

Ambry Genetics
Classification: Uncertain significance for Inborn genetic diseases. Last evaluated: 2024-07-22. Review status: criteria provided, single submitter. Criteria: Ambry Variant Classification Scheme 2023. Collection method: clinical testing. Allele origin: germline.

Labcorp Genetics (formerly Invitae), Labcorp
Classification: Uncertain significance. Last evaluated: 2023-10-03. Review status: criteria provided, single submitter. Criteria: Invitae Variant Classification Sherloc (09022015). Collection method: clinical testing. Allele origin: germline.
Comment: This sequence change replaces serine, which is neutral and polar, with isoleucine, which is neutral and non-polar, at codon 23 of the SLC24A1 protein (p.Ser23Ile). This variant is present in population databases (rs369293983, gnomAD 0.06%). This variant has not been reported in the literature in individuals affected with SLC24A1-related conditions. ClinVar contains an entry for this variant (Variation ID: 1001750). An algorithm developed to predict the effect of missense changes on protein structure and function (PolyPhen-2) suggests that this variant is likely to be disruptive. In summary, the available evidence is currently insufficient to determine the role of this variant in disease. Therefore, it has been classified as a Variant of Uncertain Significance.

Breakthrough Genomics
Classification: Uncertain significance. Review status: criteria provided, single submitter. Criteria: ACMG Guidelines, 2015. Collection method: not provided. Allele origin: germline. Inheritance: Autosomal recessive inheritance. Affected: yes.